The following is an entry in ClinVar:

NM_015602.4(TOR1AIP1):c.964+5G>A

Gene: TOR1AIP1 (torsin 1A interacting protein 1; plus strand). Cytogenetic location: 1q25.2.
Variant type: single nucleotide variant.
Coding change: c.964+5G>A on transcript NM_015602.4 (MANE Select); 5 bases into the intron after coding-DNA position 964, G replaced by A.
Molecular consequence: intron variant.
Genome position (GRCh38, 1-based): chr1:179,914,059, G>A. VCF-style: chr1-179914059-G-A. GRCh37 (hg19) VCF-style: chr1-179883194-G-A.
Other names: c.967+5G>A (NM_001267578.2).
Identifiers: ClinVar variation 576365 (VCV000576365.10), dbSNP rs561816881, ClinGen allele CA1269058.

ClinVar aggregate classification (germline): Uncertain significance. Review status: criteria provided, multiple submitters, no conflicts (2 of 4 stars). 3 submissions from 3 submitters: Uncertain significance (3). Last evaluated 2025-09-23.

Conditions:
Autosomal recessive limb-girdle muscular dystrophy type 2Y (MRRSDC). Also called: Muscular dystrophy, limb-girdle, type 2y; Muscular dystrophy, autosomal recessive, with rigid spine and distal joint contractures. Identifiers: Orphanet 424261, MedGen C4511482, MONDO:0014900, OMIM 617072.

Allele frequency attached by ClinVar (database versions not stated): gnomAD 0.00001 and 0.00009; TOPMed 0.00001; gnomAD exomes 0.00011 and 0.00022; ExAC 0.00026; 1000 Genomes Project 0.00160; 1000 Genomes Project 30x 0.00172.
gnomAD v4.1: 180 of 1,612,190 alleles (0.011%); highest among the groups gnomAD compares: South Asian, 0.19%; 1 homozygote.

Submissions (5):

Labcorp Genetics (formerly Invitae), Labcorp
Classification: Uncertain significance for Autosomal recessive limb-girdle muscular dystrophy type 2Y. Last evaluated: 2025-09-23. Review status: criteria provided, single submitter. Criteria: Invitae Variant Classification Sherloc (09022015). Collection method: clinical testing. Allele origin: germline.
Comment: This sequence change falls in intron 9 of the TOR1AIP1 gene. It does not directly change the encoded amino acid sequence of the TOR1AIP1 protein. It affects a nucleotide within the consensus splice site. This variant is present in population databases (rs561816881, gnomAD 0.2%). This variant has not been reported in the literature in individuals affected with TOR1AIP1-related conditions. ClinVar contains an entry for this variant (Variation ID: 576365). Variants that disrupt the consensus splice site are a relatively common cause of aberrant splicing (PMID: 17576681, 9536098). Algorithms developed to predict the effect of sequence changes on RNA splicing suggest that this variant may disrupt the consensus splice site. In summary, the available evidence is currently insufficient to determine the role of this variant in disease. Therefore, it has been classified as a Variant of Uncertain Significance.

Blueprint Genetics
Classification: Uncertain significance. Last evaluated: 2024-10-08. Review status: criteria provided, single submitter. Criteria: ACMG Guidelines, 2015. Collection method: clinical testing. Allele origin: germline.

Mayo Clinic Laboratories, Mayo Clinic
Classification: Uncertain significance. Last evaluated: 2023-12-29. Review status: criteria provided, single submitter. Criteria: ACMG Guidelines, 2015. Collection method: clinical testing. Allele origin: germline. Observed: 1 variant allele.
Comment: BS1, PP3

Dr. Peter K. Rogan Lab, Western University
No classification provided (evidence only). Condition: Malignant tumor of esophagus. Review status: no classification provided. Collection method: in vitro. Allele origin: not applicable. Functional consequence: skipped exon, retained intron. Not counted in ClinVar's aggregate classification.

Dr. Peter K. Rogan Lab, Western University
No classification provided (evidence only). Condition: Ovarian cancer. Review status: no classification provided. Collection method: in vitro. Allele origin: not applicable. Functional consequence: skipped exon, retained intron. Not counted in ClinVar's aggregate classification.

Literature cited by the submitters: PubMed 17576681 (cited by Labcorp Genetics (formerly Invitae), Labcorp); PubMed 9536098 (cited by Labcorp Genetics (formerly Invitae), Labcorp).